The following is an entry in ClinVar:

ClinVar aggregate classification (germline): Conflicting classifications of pathogenicity. Review status: criteria provided, conflicting classifications (1 of 4 stars). 2 submissions from 2 submitters: Uncertain significance (1); Likely benign (1). Last evaluated 2025-03-26.

Conditions:
Cardiovascular phenotype. Identifiers: MedGen CN230736.
Congenital contractural arachnodactyly (CCA). Also called: BEALS SYNDROME; Beals-Hecht syndrome; Arthrogryposis, distal, type 9. Identifiers: Orphanet 115, MedGen C0220668, MONDO:0007363, OMIM 121050.

Allele frequency attached by ClinVar (database versions not stated): TOPMed 0.00002.

Submissions (2):

Labcorp Genetics (formerly Invitae), Labcorp
Classification: Likely benign for Congenital contractural arachnodactyly. Last evaluated: 2025-03-26. Review status: criteria provided, single submitter. Criteria: Invitae Variant Classification Sherloc (09022015). Collection method: clinical testing. Allele origin: germline.

Ambry Genetics
Classification: Uncertain significance for Cardiovascular phenotype. Last evaluated: 2013-05-06. Review status: criteria provided, single submitter. Criteria: Ambry Autosomal Dominant and X-Linked criteria (10/2015). Collection method: clinical testing. Allele origin: germline. Observed: 1 variant allele.
Comment: There is insufficient or conflicting evidence for classification of this alteration.

NM_001999.4(FBN2):c.8035G>T (p.Ala2679Ser)

Gene: FBN2 (fibrillin 2; minus strand). Cytogenetic location: 5q23.3.
Variant type: single nucleotide variant.
Coding change: c.8035G>T on transcript NM_001999.4 (MANE Select); coding-DNA position 8035, G replaced by T.
Protein change: p.Ala2679Ser; replaces alanine 2679 with serine.
Molecular consequence: missense variant.
Genome position (GRCh38, 1-based): chr5:128,263,582, C>A on the plus strand (G>T on the coding strand, the complement: FBN2 is on the minus strand). VCF-style: chr5-128263582-C-A. GRCh37 (hg19) VCF-style: chr5-127599274-C-A.
Other names: short protein forms A2679S.
Identifiers: ClinVar variation 263329 (VCV000263329.11), dbSNP rs763870762, ClinGen allele CA10587595.
Genomic context (GRCh38, chr5:128,263,582, plus strand): 5'-ACTCATTCACGTCGTGGCAGGCACTGGAGAACTGGTCGAAGGAGAACCCCGAGGGGCAGG[C>A]GCACTTGTAACTCCCCAGGGTGTTGTAGCAGGAAGCAGAGCCACAGGCATTGGGATTGGA-3'
Protein context (NP_001990.2, residues 2669-2689): CYNTLGSYKC[Ala2679Ser]CPSGFSFDQF